The following is an entry in ClinVar:

ClinVar aggregate classification (germline): Likely benign. Review status: criteria provided, single submitter (1 of 4 stars). 2 submissions from 2 submitters: Likely benign (1). 1 of the submissions does not count toward it. Last evaluated 2025-09-24.

Conditions:
SBF2-related disorder. Also called: SBF2-related condition.
Charcot-Marie-Tooth disease type 4. Also called: Charcot-Marie-Tooth disease, type IV; Charcot-Marie-Tooth, Type 4. Identifiers: Orphanet 64749, MedGen C4082197, MONDO:0018995.

Allele frequency attached by ClinVar (database versions not stated): gnomAD exomes 0.00002 and 0.00006; ExAC 0.00005.
gnomAD v4.1: 34 of 1,614,106 alleles (0.0021%); highest among the groups gnomAD compares: South Asian, 0.026%; no homozygotes.

Submissions (2):

Labcorp Genetics (formerly Invitae), Labcorp
Classification: Likely benign for Charcot-Marie-Tooth disease type 4. Last evaluated: 2025-09-24. Review status: criteria provided, single submitter. Criteria: Invitae Variant Classification Sherloc (09022015). Collection method: clinical testing. Allele origin: germline.

PreventionGenetics, part of Exact Sciences
Classification: Likely benign for SBF2-related condition. Last evaluated: 2019-05-07. Review status: no assertion criteria provided. Collection method: clinical testing. Allele origin: germline. Not counted in ClinVar's aggregate classification.
Comment: This variant is classified as likely benign based on ACMG/AMP sequence variant interpretation guidelines (Richards et al. 2015 PMID: 25741868, with internal and published modifications).

NM_030962.4(SBF2):c.5469T>C (p.Arg1823=)

Genes: SBF2 (SET binding factor 2; minus strand), SBF2-AS1 (SBF2 antisense RNA 1; plus strand). Cytogenetic location: 11p15.4.
Variant type: single nucleotide variant.
Coding change: c.5469T>C on transcript NM_030962.4 (MANE Select); coding-DNA position 5469, T replaced by C.
Protein change: p.Arg1823=; no amino-acid change (arginine 1823 retained).
Molecular consequence: synonymous variant.
Genome position (GRCh38, 1-based): chr11:9,780,499, A>G on the plus strand (T>C on the coding strand, the complement: SBF2 is on the minus strand). VCF-style: chr11-9780499-A-G. GRCh37 (hg19) VCF-style: chr11-9802046-A-G.
Other names: c.5565T>C, p.Arg1855= (NM_001386339.1); c.5340T>C, p.Arg1780= (NM_001386342.1).
Identifiers: ClinVar variation 701568 (VCV000701568.12), dbSNP rs373457270, ClinGen allele CA5880692.